The following is an entry in ClinVar:

NM_001013838.3(CARMIL2):c.1397A>C (p.His466Pro)

Gene: CARMIL2 (capping protein regulator and myosin 1 linker 2; plus strand). Cytogenetic location: 16q22.1.
Variant type: single nucleotide variant.
Coding change: c.1397A>C on transcript NM_001013838.3 (MANE Select); coding-DNA position 1397, A replaced by C.
Protein change: p.His466Pro; replaces histidine 466 with proline.
Molecular consequence: missense variant.
Genome position (GRCh38, 1-based): chr16:67,648,460, A>C. VCF-style: chr16-67648460-A-C. GRCh37 (hg19) VCF-style: chr16-67682363-A-C.
Other names: c.1289A>C, p.His430Pro (NM_001317026.3); short protein forms H466P, H430P.
Identifiers: ClinVar variation 1498803 (VCV001498803.8), dbSNP rs2142920338, ClinGen allele CA396336613.

ClinVar aggregate classification (germline): Uncertain significance (1 of 4 stars; one submission).

Submission:

Labcorp Genetics (formerly Invitae), Labcorp
Classification: Uncertain significance. Last evaluated: 2020-12-29. Review status: criteria provided, single submitter. Criteria: Invitae Variant Classification Sherloc (09022015). Collection method: clinical testing. Allele origin: germline.
Comment: In summary, the available evidence is currently insufficient to determine the role of this variant in disease. Therefore, it has been classified as a Variant of Uncertain Significance. Algorithms developed to predict the effect of missense changes on protein structure and function are either unavailable or do not agree on the potential impact of this missense change (SIFT: "Deleterious"; PolyPhen-2: "Benign"; Align-GVGD: "Class C0"). This variant has not been reported in the literature in individuals with CARMIL2-related conditions. The frequency data for this variant in the population databases is considered unreliable, as metrics indicate insufficient coverage at this position in the ExAC database. This sequence change replaces histidine with proline at codon 466 of the CARMIL2 protein (p.His466Pro). The histidine residue is moderately conserved and there is a moderate physicochemical difference between histidine and proline.